The following is an entry in ClinVar:

ClinVar aggregate classification (germline): Uncertain significance (1 of 4 stars; one submission).

Conditions:
Malignant hyperthermia, susceptibility to, 1 (MHS1). Also called: Anesthesia related hyperthermia; Malignant hyperpyrexia; Fulminating hyperpyrexia; Pharmacogenic myopathy; RYR1-Related Malignant Hyperthermia Susceptibility; Malignant hyperthermia suceptibility 1. Identifiers: Orphanet 423, MedGen C2930980, MONDO:0007783, OMIM 145600.

Submission:

All of Us Research Program, National Institutes of Health
Classification: Uncertain significance for Malignant hyperthermia, susceptibility to, 1. Last evaluated: 2023-08-23. Review status: criteria provided, single submitter. Criteria: ACMG Guidelines, 2015. Collection method: clinical testing. Allele origin: germline. Inheritance: Autosomal dominant inheritance. Observed: 1 variant allele, 1 heterozygote.
Comment: This missense variant replaces aspartic acid with asparagine at codon 1809 of the RYR1 protein. Computational prediction suggests that this variant may not impact protein structure and function (internally defined REVEL score threshold <= 0.5, PMID: 27666373). To our knowledge, functional studies have not been reported for this variant. This variant has not been reported in individuals affected with RYR1-related disorders in the literature. This variant has not been identified in the general population by the Genome Aggregation Database (gnomAD). The available evidence is insufficient to determine the role of this variant in disease conclusively. Therefore, this variant is classified as a Variant of Uncertain Significance.

This study involves interpretation of variants in research participants for the purpose of population health screening. Participant phenotype was not available at the time of variant classification. Additional details can be found in publication PMID: 35346344, PMCID: PMC8962531

NM_000540.3(RYR1):c.5425G>A (p.Asp1809Asn)

Gene: RYR1 (ryanodine receptor 1; plus strand). Cytogenetic location: 19q13.2.
Variant type: single nucleotide variant.
Coding change: c.5425G>A on transcript NM_000540.3 (MANE Select); coding-DNA position 5425, G replaced by A.
Protein change: p.Asp1809Asn; replaces aspartic acid 1809 with asparagine.
Molecular consequence: missense variant.
Genome position (GRCh38, 1-based): chr19:38,486,080, G>A. VCF-style: chr19-38486080-G-A. GRCh37 (hg19) VCF-style: chr19-38976720-G-A.
Other names: c.5425G>A, p.Asp1809Asn (NM_001042723.2); short protein forms D1809N.
Identifiers: ClinVar variation 3073109 (VCV003073109.1), dbSNP rs2514230068, ClinGen allele CA405655176.